The following is an entry in ClinVar:

ClinVar aggregate classification (germline): Likely benign (1 of 4 stars; one submission).

Conditions:
Cardiac anomalies - developmental delay - facial dysmorphism syndrome (MRFACD). Also called: Impaired intellectual development and distinctive facial features with or without cardiac defects; MED13L Syndrome. Identifiers: Orphanet 369891, MedGen C5192431, MONDO:0014773, OMIM 616789.

Submission:

Institute of Human Genetics, University of Leipzig Medical Center
Classification: Likely benign for Cardiac anomalies - developmental delay - facial dysmorphism syndrome. Last evaluated: 2024-08-07. Review status: criteria provided, single submitter. Criteria: ACMG Guidelines, 2015. Collection method: clinical testing. Allele origin: unknown. Inheritance: Autosomal dominant inheritance. Affected: yes.
Comment: Criteria applied: PM2,PP3, BS3,BP2

NM_015335.5(MED13L):c.2569+8G>A

Gene: MED13L (mediator complex subunit 13L; minus strand). Cytogenetic location: 12q24.21.
Variant type: single nucleotide variant.
Coding change: c.2569+8G>A on transcript NM_015335.5 (MANE Select); 8 bases into the intron after coding-DNA position 2569, G replaced by A.
Molecular consequence: intron variant.
Genome position (GRCh38, 1-based): chr12:116,002,995, C>T on the plus strand (G>A on the coding strand, the complement: MED13L is on the minus strand). VCF-style: chr12-116002995-C-T. GRCh37 (hg19) VCF-style: chr12-116440800-C-T.
Identifiers: ClinVar variation 3359035 (VCV003359035.3).